The following is an entry in ClinVar:

NM_002775.5(HTRA1):c.161A>C (p.Glu54Ala)

Gene: HTRA1 (HtrA serine peptidase 1; plus strand). Cytogenetic location: 10q26.13.
Variant type: single nucleotide variant.
Coding change: c.161A>C on transcript NM_002775.5 (MANE Select); coding-DNA position 161, A replaced by C.
Protein change: p.Glu54Ala; replaces glutamic acid 54 with alanine.
Molecular consequence: missense variant.
Genome position (GRCh38, 1-based): chr10:122,461,813, A>C. VCF-style: chr10-122461813-A-C. GRCh37 (hg19) VCF-style: chr10-124221329-A-C.
Other names: short protein forms E54A.
Identifiers: ClinVar variation 2901600 (VCV002901600.3), dbSNP rs11538141, ClinGen allele CA378605653.

ClinVar aggregate classification (germline): Uncertain significance (1 of 4 stars; one submission).

Allele frequency attached by ClinVar (database versions not stated): gnomAD exomes below 0.00001; gnomAD 0.00002.

Submission:

Labcorp Genetics (formerly Invitae), Labcorp
Classification: Uncertain significance. Last evaluated: 2023-05-14. Review status: criteria provided, single submitter. Criteria: Invitae Variant Classification Sherloc (09022015). Collection method: clinical testing. Allele origin: germline.
Comment: An algorithm developed to predict the effect of missense changes on protein structure and function (PolyPhen-2) suggests that this variant is likely to be tolerated. This variant has not been reported in the literature in individuals affected with HTRA1-related conditions. This variant is not present in population databases (gnomAD no frequency). This sequence change replaces glutamic acid, which is acidic and polar, with alanine, which is neutral and non-polar, at codon 54 of the HTRA1 protein (p.Glu54Ala). In summary, the available evidence is currently insufficient to determine the role of this variant in disease. Therefore, it has been classified as a Variant of Uncertain Significance.